The following is an entry in ClinVar:

NM_003119.4(SPG7):c.1124del (p.Gly375fs)

Gene: SPG7 (SPG7 matrix AAA peptidase subunit, paraplegin; plus strand). Cytogenetic location: 16q24.3.
Variant type: Deletion.
Coding change: c.1124del on transcript NM_003119.4 (MANE Select); coding-DNA position 1124, one base deleted (G; older notation c.1124delG).
Protein change: p.Gly375fs; shifts the reading frame from glycine 375.
Molecular consequence: frameshift variant.
Genome position (GRCh38, 1-based): chr16:89,532,040, G deleted; the last of 2 consecutive G bases (chr16:89,532,039-89,532,040); deleting either gives the same sequence. VCF-style (leftmost placement, unchanged base first): chr16-89532038-CG-C. GRCh37 (hg19) VCF-style: chr16-89598446-CG-C.
Other names: c.1124del, p.Gly375fs (NM_001363850.1, NM_199367.3); short protein forms G375fs.
Identifiers: ClinVar variation 1456367 (VCV001456367.6), dbSNP rs2152403519, ClinGen allele CA2573152868.

ClinVar aggregate classification (germline): Pathogenic (1 of 4 stars; one submission).

Conditions:
Hereditary spastic paraplegia 7 (SPG7). Also called: Autosomal recessive spastic paraplegia type 7; SPG7-related neurologic disorder; SPASTIC PARAPLEGIA 7, AUTOSOMAL RECESSIVE, WITH OR WITHOUT CEREBELLAR ATAXIA; Spastic paraplegia 7; Hereditary spastic paraplegia Paraplegin type. Identifiers: Orphanet 99013, MedGen C1846564, MONDO:0011803, OMIM 607259.

Submission:

Labcorp Genetics (formerly Invitae), Labcorp
Classification: Pathogenic for Hereditary spastic paraplegia 7. Last evaluated: 2020-11-13. Review status: criteria provided, single submitter. Criteria: Invitae Variant Classification Sherloc (09022015). Collection method: clinical testing. Allele origin: germline.
Comment: This sequence change creates a premature translational stop signal (p.Gly375Alafs*64) in the SPG7 gene. It is expected to result in an absent or disrupted protein product. Loss-of-function variants in SPG7 are known to be pathogenic (PMID: 21623769, 22964162). This variant is not present in population databases (ExAC no frequency). This variant has not been reported in the literature in individuals with SPG7-related conditions. For these reasons, this variant has been classified as Pathogenic.

Literature cited by the submitters: PubMed 21623769; PubMed 22964162.